The following is an entry in ClinVar:

NM_000535.7(PMS2):c.1304A>C (p.His435Pro)

Gene: PMS2 (PMS1 homolog 2, mismatch repair system component; minus strand). Cytogenetic location: 7p22.1.
Variant type: single nucleotide variant.
Coding change: c.1304A>C on transcript NM_000535.7 (MANE Select); coding-DNA position 1304, A replaced by C.
Protein change: p.His435Pro; replaces histidine 435 with proline.
Molecular consequence: missense variant. On other transcripts: non-coding transcript variant (1).
Genome position (GRCh38, 1-based): chr7:5,987,461, T>G on the plus strand (A>C on the coding strand, the complement: PMS2 is on the minus strand). VCF-style: chr7-5987461-T-G. GRCh37 (hg19) VCF-style: chr7-6027092-T-G.
Other names: c.899A>C, p.His300Pro (NM_001322003.2, NM_001322004.2, NM_001322005.2 and 1 more transcripts); c.1148A>C, p.His383Pro (NM_001322006.2); c.986A>C, p.His329Pro (NM_001322007.2, NM_001322008.2); c.743A>C, p.His248Pro (NM_001322010.2); c.371A>C, p.His124Pro (NM_001322011.2, NM_001322012.2); c.731A>C, p.His244Pro (NM_001322013.2); c.1304A>C, p.His435Pro (NM_001322014.2); c.995A>C, p.His332Pro (NM_001322015.2); short protein forms H435P, H244P, H248P, H329P, H300P, H124P, H332P, H383P.
Identifiers: ClinVar variation 517235 (VCV000517235.5), dbSNP rs1554297915, ClinGen allele CA366742375.

ClinVar aggregate classification (germline): Uncertain significance (1 of 4 stars; one submission).

Allele frequency attached by ClinVar (database versions not stated): gnomAD exomes below 0.00001.
gnomAD v4.1: 1 of 1,614,146 alleles (0.000062%); highest among the groups gnomAD compares: Non-Finnish European, 0.000085%; no homozygotes.

Submission:

Laboratory for Molecular Medicine, Mass General Brigham Personalized Medicine
Classification: Uncertain significance. Last evaluated: 2017-02-26. Review status: criteria provided, single submitter. Criteria: LMM Criteria. Collection method: clinical testing. Allele origin: germline. Observed: 1 variant allele.
Comment: The p.His435Pro variant in PMS2 has not been previously reported in individuals with Lynch syndrome or in large population studies. Computational prediction too ls and conservation analysis suggest that the p.His435Pro variant may not impact the protein, though this information is not predictive enough to rule out patho genicity. In summary, the clinical significance of the p.His435Pro variant is un certain.